The following is an entry in ClinVar:

ClinVar aggregate classification (germline): Benign/Likely benign. Review status: criteria provided, multiple submitters, no conflicts (2 of 4 stars). 3 submissions from 3 submitters: Benign (2); Likely benign (1). Last evaluated 2021-10-08.

Conditions:
Deafness-encephaloneuropathy-obesity-valvulopathy syndrome. Identifiers: Orphanet 254898, MedGen C3553354, MONDO:0013837, OMIM 614651.

Allele frequency attached by ClinVar (database versions not stated): gnomAD exomes 0.00419; gnomAD 0.02174 and 0.02265; TOPMed 0.02480; 1000 Genomes Project 0.02955; 1000 Genomes Project 30x 0.03014.
gnomAD v4.1: 5,993 of 756,810 alleles (0.79%); highest among the groups gnomAD compares: African/African-American, 6.9%; 147 homozygotes.

Submissions (8):

Fulgent Genetics
Classification: Likely benign for Deafness-encephaloneuropathy-obesity-valvulopathy syndrome. Last evaluated: 2021-10-08. Review status: criteria provided, single submitter. Criteria: ACMG Guidelines, 2015. Collection method: clinical testing. Allele origin: unknown.

GeneDx
Classification: Benign. Last evaluated: 2018-06-28. Review status: criteria provided, single submitter. Criteria: GeneDx Variant Classification Process June 2021. Collection method: clinical testing. Allele origin: germline. Affected: yes.

Illumina Laboratory Services, Illumina
Classification: Benign for Deafness-encephaloneuropathy-obesity-valvulopathy syndrome. Last evaluated: 2018-01-13. Review status: criteria provided, single submitter. Criteria: ICSL Variant Classification Criteria 13 December 2019. Collection method: clinical testing. Allele origin: germline.
Comment: This variant was observed in the ICSL laboratory as part of a predisposition screen in an ostensibly healthy population. It had not been previously curated by ICSL or reported in the Human Gene Mutation Database (HGMD: prior to June 1st, 2018), and was therefore a candidate for classification through an automated scoring system. Utilizing variant allele frequency, disease prevalence and penetrance estimates, and inheritance mode, an automated score was calculated to assess if this variant is too frequent to cause the disease. Based on the score and internal cut-off values, a variant classified as benign is not then subjected to further curation. The score for this variant resulted in a classification of benign for this disease.

Dr. Peter K. Rogan Lab, Western University
No classification provided (evidence only). Condition: Lung cancer. Review status: no classification provided. Collection method: in vitro. Allele origin: not applicable. Functional consequence: retained intron. Not counted in ClinVar's aggregate classification.

Dr. Peter K. Rogan Lab, Western University
No classification provided (evidence only). Condition: Uterine corpus endometrial carcinoma. Review status: no classification provided. Collection method: in vitro. Allele origin: not applicable. Functional consequence: retained intron. Not counted in ClinVar's aggregate classification.

Dr. Peter K. Rogan Lab, Western University
No classification provided (evidence only). Condition: Cervical cancer. Review status: no classification provided. Collection method: in vitro. Allele origin: not applicable. Functional consequence: retained intron. Not counted in ClinVar's aggregate classification.

Dr. Peter K. Rogan Lab, Western University
No classification provided (evidence only). Condition: Ovarian serous cystadenocarcinoma. Review status: no classification provided. Collection method: in vitro. Allele origin: not applicable. Functional consequence: retained intron. Not counted in ClinVar's aggregate classification.

Dr. Peter K. Rogan Lab, Western University
No classification provided (evidence only). Condition: Malignant tumor of esophagus. Review status: no classification provided. Collection method: in vitro. Allele origin: not applicable. Functional consequence: retained intron. Not counted in ClinVar's aggregate classification.

NM_014317.5(PDSS1):c.*157T>G

Genes: ABI1 (abl interactor 1; minus strand), PDSS1 (decaprenyl diphosphate synthase subunit 1; plus strand). Cytogenetic location: 10p12.1.
Variant type: single nucleotide variant.
Coding change: c.*157T>G on transcript NM_014317.5 (MANE Select); 157 bases downstream of the stop codon, T replaced by G.
Molecular consequence: 3 prime UTR variant. On other transcripts: non-coding transcript variant (1).
Genome position (GRCh38, 1-based): chr10:26,746,630, T>G. VCF-style: chr10-26746630-T-G. GRCh37 (hg19) VCF-style: chr10-27035559-T-G.
Other names: NC_000010.10:g.27035559T>G; c.*1940A>C (NM_001012750.3, NM_001012751.3, NM_001012752.3 and 16 more transcripts); c.*293T>G (NM_001321978.2); c.*157T>G (NM_001321979.2).
Identifiers: ClinVar variation 299706 (VCV000299706.9), dbSNP rs1046187, ClinGen allele CA10635531.